The following is an entry in ClinVar:

NM_002137.4(HNRNPA2B1):c.476-4C>A

Gene: HNRNPA2B1 (heterogeneous nuclear ribonucleoprotein A2/B1; minus strand). Cytogenetic location: 7p15.2.
Variant type: single nucleotide variant.
Coding change: c.476-4C>A on transcript NM_002137.4 (MANE Select); 4 bases into the intron before coding-DNA position 476, C replaced by A.
Molecular consequence: intron variant.
Genome position (GRCh38, 1-based): chr7:26,196,662, G>T on the plus strand (C>A on the coding strand, the complement: HNRNPA2B1 is on the minus strand). VCF-style: chr7-26196662-G-T. GRCh37 (hg19) VCF-style: chr7-26236282-G-T.
Other names: c.476-4C>A (NM_001438578.1, NM_001438576.1, NM_001438575.1 and 4 more transcripts); c.512-4C>A (NM_001438574.1, NM_001438573.1, NM_001438568.1 and 3 more transcripts).
Identifiers: ClinVar variation 3235032 (VCV003235032.1), dbSNP rs765672701, ClinGen allele CA573758189.

ClinVar aggregate classification (germline): Uncertain significance (1 of 4 stars; one submission).

Conditions:
Inclusion body myopathy with early-onset Paget disease with or without frontotemporal dementia 2 (IBMPFD2). Also called: MULTISYSTEM PROTEINOPATHY 2. Identifiers: MedGen C3809468, MONDO:0014178, OMIM 615422.

gnomAD v4.1: 1 of 1,609,880 alleles (0.000062%); highest among the groups gnomAD compares: South Asian, 0.0011%; no homozygotes.

Submission:

Neuberg Centre For Genomic Medicine, NCGM
Classification: Uncertain significance for Inclusion body myopathy with early-onset Paget disease with or without frontotemporal dementia 2. Review status: criteria provided, single submitter. Criteria: ACMG Guidelines, 2015. Collection method: clinical testing. Allele origin: germline. Inheritance: Autosomal dominant inheritance. Affected: yes.
Comment: The splice region c.476-4C>A variantin HNRNPA2B1 gene has not been reported previously as a pathogenic variant nor a benign variant, to our knowledge. The c.476-4C>A variant has been reported with allele frequency of 0.0004% in gnomAD Exomes and is novel not in any individuals in 1000 Genomes. This variant has not been reported to the ClinVar database. Additional functional studies will be required to prove the pathogenicity of this variant. For these reasons, this variant has been classified as a Variant of Uncertain Significance VUS.